The following is an entry in ClinVar:

ClinVar aggregate classification (germline): Uncertain significance (1 of 4 stars; one submission).

Conditions:
FLNC-related disorder. Also called: FLNC-related condition; FLNC-related disorders.

Submission:

PreventionGenetics, part of Exact Sciences
Classification: Uncertain significance for FLNC-related condition. Last evaluated: 2025-04-02. Review status: criteria provided, single submitter. Criteria: ACMG Guidelines, 2015. Collection method: clinical testing. Allele origin: germline.
Comment: The FLNC c.6503T>C variant is predicted to result in the amino acid substitution p.Val2168Ala. To our knowledge, this variant has not been reported in the literature or in a large population database (gnomAD), indicating this variant is rare. At this time, the clinical significance of this variant is uncertain due to the absence of conclusive functional and genetic evidence.

NM_001458.5(FLNC):c.6503T>C (p.Val2168Ala)

Genes: FLNC (filamin C; plus strand), FLNC-AS1 (FLNC antisense RNA 1; minus strand). Cytogenetic location: 7q32.1.
Variant type: single nucleotide variant.
Coding change: c.6503T>C on transcript NM_001458.5 (MANE Select); coding-DNA position 6503, T replaced by C.
Protein change: p.Val2168Ala; replaces valine 2168 with alanine.
Molecular consequence: missense variant.
Genome position (GRCh38, 1-based): chr7:128,853,992, T>C. VCF-style: chr7-128853992-T-C. GRCh37 (hg19) VCF-style: chr7-128494046-T-C.
Other names: c.6404T>C, p.Val2135Ala (NM_001127487.2); short protein forms V2135A, V2168A.
Identifiers: ClinVar variation 4999061 (VCV004999061.1).
Genomic context (GRCh38, chr7:128,853,992, plus strand): 5'-CCCTCGCTTCCCTCCCTCACCCTGGCTCCCTTGACCACACAGGAAACTGGTTCCAGATGG[T>C]GTCTGCCCAGGAGCGCCTGACACGCACCTTCACACGCAGCAGCCACACCTACACCCGCAC-3'
Protein context (NP_001449.3, residues 2158-2178): LKIPGNWFQM[Val2168Ala]SAQERLTRTF